The following is an entry in ClinVar:

ClinVar aggregate classification (germline): Uncertain significance (1 of 4 stars; one submission).

Conditions:
POLD1-related polyposis and colorectal cancer syndrome (CRCS10). Also called: Colorectal cancer 10; COLORECTAL CANCER, SUSCEPTIBILITY TO, ON CHROMOSOME 19q; Colorectal cancer, susceptibility to, 10. Identifiers: Orphanet 220460, MedGen C2675481, MONDO:0012953, OMIM 612591.

Submission:

Labcorp Genetics (formerly Invitae), Labcorp
Classification: Uncertain significance for POLD1-related polyposis and colorectal cancer syndrome. Last evaluated: 2020-08-08. Review status: criteria provided, single submitter. Criteria: Invitae Variant Classification Sherloc (09022015). Collection method: clinical testing. Allele origin: germline.
Comment: This variant is a gross duplication of the genomic region encompassing exons 2-3 of the POLD1 gene, involving the first coding exon. The 5' end of this event is unknown as it extends beyond the assayed region for this gene and therefore may encompass additional genes. The 3' boundary is likely confined to intron 3 of the POLD1 gene. This variant has not been reported in the literature in individuals with a POLD1-related disease. In summary, the exact genomic location of this variant is unknown and the impact of this duplication on POLD1 protein function has not been established. Therefore, it has been classified as a Variant of Uncertain Significance.

NC_000019.9:g.(?_50902109)_(50902751_?)dup

Gene: POLD1 (DNA polymerase delta 1, catalytic subunit; plus strand). Cytogenetic location: 19q13.33.
Variant type: Duplication.
Identifiers: ClinVar variation 1010858 (VCV001010858.1).